The following is an entry in ClinVar:

NM_031471.6(FERMT3):c.1732G>A (p.Asp578Asn)

Gene: FERMT3 (FERM domain containing kindlin 3; plus strand). Cytogenetic location: 11q13.1.
Variant type: single nucleotide variant.
Coding change: c.1732G>A on transcript NM_031471.6 (MANE Select); coding-DNA position 1732, G replaced by A.
Protein change: p.Asp578Asn; replaces aspartic acid 578 with asparagine.
Molecular consequence: missense variant.
Genome position (GRCh38, 1-based): chr11:64,223,109, G>A. VCF-style: chr11-64223109-G-A. GRCh37 (hg19) VCF-style: chr11-63990581-G-A.
Other names: c.1732G>A, p.Asp578Asn (NM_001382361.1, NM_001382448.1); c.1744G>A, p.Asp582Asn (NM_001382362.1, NM_178443.3); c.1192G>A, p.Asp398Asn (NM_001382363.1); c.1204G>A, p.Asp402Asn (NM_001382364.1); short protein forms D402N, D582N, D398N, D578N.
Identifiers: ClinVar variation 1933095 (VCV001933095.3), dbSNP rs774682839, ClinGen allele CA6069272.
Genomic context (GRCh38, chr11:64,223,109, plus strand): 5'-TTCAAGGGCAGCAGGAAAGACGAGATCCTGGGCATCGCCAACAACCGACTGATCCGCATC[G>A]ACTTGGCCGTGGGCGACGTGGTCAAGACCTGGCGTTTCAGCAACATGCGCCAGTGGAATG-3'
Protein context (NP_113659.3, residues 568-588): GIANNRLIRI[Asp578Asn]LAVGDVVKTW

ClinVar aggregate classification (germline): Uncertain significance (1 of 4 stars; one submission).

Conditions:
Leukocyte adhesion deficiency 3. Also called: INTEGRIN ACTIVATION DEFICIENCY DISEASE; LEUKOCYTE ADHESION DEFICIENCY 1 VARIANT; Leukocyte adhesion deficiency, type III. Identifiers: Orphanet 2968, Orphanet 99844, MedGen C2748536, MONDO:0013016, OMIM 612840.

Allele frequency attached by ClinVar (database versions not stated): ExAC 0.00001; gnomAD exomes 0.00001; gnomAD 0.00002.

Submission:

Labcorp Genetics (formerly Invitae), Labcorp
Classification: Uncertain significance for Leukocyte adhesion deficiency 3. Last evaluated: 2022-06-23. Review status: criteria provided, single submitter. Criteria: Invitae Variant Classification Sherloc (09022015). Collection method: clinical testing. Allele origin: germline.
Comment: In summary, the available evidence is currently insufficient to determine the role of this variant in disease. Therefore, it has been classified as a Variant of Uncertain Significance. Algorithms developed to predict the effect of missense changes on protein structure and function are either unavailable or do not agree on the potential impact of this missense change (SIFT: "Tolerated"; PolyPhen-2: "Probably Damaging"; Align-GVGD: "Class C0"). This variant has not been reported in the literature in individuals affected with FERMT3-related conditions. This variant is present in population databases (rs774682839, gnomAD 0.002%). This sequence change replaces aspartic acid, which is acidic and polar, with asparagine, which is neutral and polar, at codon 578 of the FERMT3 protein (p.Asp578Asn).